The following is an entry in ClinVar:

ClinVar aggregate classification (germline): Uncertain significance. Review status: criteria provided, multiple submitters, no conflicts (2 of 4 stars). 2 submissions from 2 submitters: Uncertain significance (2). Last evaluated 2025-12-22.

Conditions:
Hereditary cancer-predisposing syndrome. Also called: Tumor predisposition; Hereditary neoplastic syndrome; Hereditary Cancer Syndrome; Neoplastic Syndromes, Hereditary. Identifiers: Orphanet 140162, MedGen C0027672, MeSH D009386, MONDO:0015356.

Submissions (2):

Ambry Genetics
Classification: Uncertain significance for Hereditary cancer-predisposing syndrome. Last evaluated: 2025-12-22. Review status: criteria provided, single submitter. Criteria: Ambry Variant Classification Scheme 2023. Collection method: clinical testing. Allele origin: germline.
Comment: The p.C1357Y variant (also known as c.4070G>A), located in coding exon 32 of the POLE gene, results from a G to A substitution at nucleotide position 4070. The cysteine at codon 1357 is replaced by tyrosine, an amino acid with highly dissimilar properties. This amino acid position is conserved. In addition, the in silico prediction for this alteration is inconclusive. Based on the available evidence, the clinical significance of this variant remains unclear.

Labcorp Genetics (formerly Invitae), Labcorp
Classification: Uncertain significance. Last evaluated: 2023-03-01. Review status: criteria provided, single submitter. Criteria: Invitae Variant Classification Sherloc (09022015). Collection method: clinical testing. Allele origin: germline.
Comment: This variant is not present in population databases (gnomAD no frequency). This sequence change replaces cysteine, which is neutral and slightly polar, with tyrosine, which is neutral and polar, at codon 1357 of the POLE protein (p.Cys1357Tyr). In summary, the available evidence is currently insufficient to determine the role of this variant in disease. Therefore, it has been classified as a Variant of Uncertain Significance. Advanced modeling of protein sequence and biophysical properties (such as structural, functional, and spatial information, amino acid conservation, physicochemical variation, residue mobility, and thermodynamic stability) performed at Invitae indicates that this missense variant is not expected to disrupt POLE protein function. ClinVar contains an entry for this variant (Variation ID: 998715). This variant has not been reported in the literature in individuals affected with POLE-related conditions.

NM_006231.4(POLE):c.4070G>A (p.Cys1357Tyr)

Gene: POLE (DNA polymerase epsilon, catalytic subunit; minus strand). Cytogenetic location: 12q24.33.
Variant type: single nucleotide variant.
Coding change: c.4070G>A on transcript NM_006231.4 (MANE Select); coding-DNA position 4070, G replaced by A.
Protein change: p.Cys1357Tyr; replaces cysteine 1357 with tyrosine.
Molecular consequence: missense variant.
Genome position (GRCh38, 1-based): chr12:132,649,008, C>T on the plus strand (G>A on the coding strand, the complement: POLE is on the minus strand). VCF-style: chr12-132649008-C-T. GRCh37 (hg19) VCF-style: chr12-133225594-C-T.
Other names: c.4070G>A (NM_006231.2); short protein forms C1357Y.
Identifiers: ClinVar variation 998715 (VCV000998715.9), dbSNP rs2042352767, ClinGen allele CA387383824.
Genomic context (GRCh38, chr12:132,649,008, plus strand): 5'-TCCTCCGCTTTAGCGACTCGCTGGTTCACGTAGAACACACGGGGGATGCTCAGCCTGATG[C>T]AGTGCAAGTCACTGCCAACGAGCGCCCACAGCCTGAACAGGCCGGCCTGGCTGGTCTCGC-3'
Protein context (NP_006222.2, residues 1347-1367): LWALVGSDLH[Cys1357Tyr]IRLSIPRVFY